The following is an entry in ClinVar:

ClinVar aggregate classification (germline): Conflicting classifications of pathogenicity. Review status: criteria provided, conflicting classifications (1 of 4 stars). 6 submissions from 6 submitters: Uncertain significance (5); Likely benign (1). Last evaluated 2026-06-02.

Conditions:
Epidermolysis bullosa simplex, Ogna type (EBS5A). Also called: Pidermolysis bullosa simplex 5A, Ogna type; EPIDERMOLYSIS BULLOSA SIMPLEX 5A, OGNA TYPE. Identifiers: Orphanet 79401, MedGen C0432317, MONDO:0007555, OMIM 131950.
Epidermolysis bullosa simplex with nail dystrophy (EBS5D). Identifiers: MedGen C4225309, MONDO:0014661, OMIM 616487.
Autosomal recessive limb-girdle muscular dystrophy type 2Q (LGMDR17). Also called: MUSCULAR DYSTROPHY, LIMB-GIRDLE, AUTOSOMAL RECESSIVE 17. Identifiers: Orphanet 254361, MedGen C3150989, MONDO:0013390, OMIM 613723.
Epidermolysis bullosa simplex 5C, with pyloric atresia (EBS5C). Also called: Epidermolysis bullosa simplex with pyloric atresia; PLEC1-Related Epidermolysis Bullosa with Pyloric Atresia; PLEC-Related Epidermolysis Bullosa with Pyloric Atresia. Identifiers: Orphanet 158684, MedGen C2677349, MONDO:0012807, OMIM 612138.
Epidermolysis bullosa simplex 5B, with muscular dystrophy (EBS5B). Also called: Epidermolysis bullosa simplex with muscular dystrophy; EPIDERMOLYSIS BULLOSA SIMPLEX AND LIMB-GIRDLE MUSCULAR DYSTROPHY. Identifiers: Orphanet 257, MedGen C2931072, MONDO:0009181, OMIM 226670.
PLEC-related disorder. Also called: PLEC-related disorders; PLEC-related condition.
Inborn genetic diseases. Identifiers: MedGen C0950123, MeSH D030342.

Allele frequency attached by ClinVar (database versions not stated): gnomAD exomes 0.00002; ExAC 0.00005; gnomAD 0.00011 and 0.00013; TOPMed 0.00013; ESP Exome Variant Server 0.00016; 1000 Genomes Project 30x 0.00031.
gnomAD v4.1: 50 of 1,579,874 alleles (0.0032%); highest among the groups gnomAD compares: Middle Eastern, 0.036%; no homozygotes.

Submissions (6):

PreventionGenetics, part of Exact Sciences
Classification: Uncertain significance for PLEC-related condition. Last evaluated: 2026-06-02. Review status: criteria provided, single submitter. Criteria: ACMG Guidelines, 2015. Collection method: clinical testing. Allele origin: germline.
Comment: The PLEC c.7163C>T variant is predicted to result in the amino acid substitution p.Thr2388Met. To our knowledge, this variant has not been reported in the literature. This variant is reported in 0.038% of alleles in individuals of African descent in gnomAD. At this time, the clinical significance of this variant is uncertain due to the absence of conclusive functional and genetic evidence.

Labcorp Genetics (formerly Invitae), Labcorp
Classification: Uncertain significance for Autosomal recessive limb-girdle muscular dystrophy type 2Q; Epidermolysis bullosa simplex, Ogna type; Epidermolysis bullosa simplex with nail dystrophy; Epidermolysis bullosa simplex 5C, with pyloric atresia; Epidermolysis bullosa simplex 5B, with muscular dystrophy. Last evaluated: 2025-01-29. Review status: criteria provided, single submitter. Criteria: Invitae Variant Classification Sherloc (09022015). Collection method: clinical testing. Allele origin: germline.
Comment: This sequence change replaces threonine, which is neutral and polar, with methionine, which is neutral and non-polar, at codon 2388 of the PLEC protein (p.Thr2388Met). This variant is present in population databases (rs369522291, gnomAD 0.04%). This variant has not been reported in the literature in individuals affected with PLEC-related conditions. ClinVar contains an entry for this variant (Variation ID: 283244). An algorithm developed to predict the effect of missense changes on protein structure and function (PolyPhen-2) suggests that this variant is likely to be disruptive. In summary, the available evidence is currently insufficient to determine the role of this variant in disease. Therefore, it has been classified as a Variant of Uncertain Significance.

CeGaT Center for Human Genetics Tuebingen
Classification: Likely benign. Last evaluated: 2023-04-01. Review status: criteria provided, single submitter. Criteria: CeGaT Center For Human Genetics Tuebingen Variant Classification Criteria Version 2. Collection method: clinical testing. Allele origin: germline. Affected: yes. Observed: 1 variant allele.
Comment: PLEC: BP1

Ambry Genetics
Classification: Uncertain significance for Inborn genetic diseases. Last evaluated: 2022-09-29. Review status: criteria provided, single submitter. Criteria: Ambry Variant Classification Scheme 2023. Collection method: clinical testing. Allele origin: germline.

Revvity Omics, Revvity
Classification: Uncertain significance. Last evaluated: 2022-06-21. Review status: criteria provided, single submitter. Criteria: ACMG Guidelines, 2015. Collection method: clinical testing. Allele origin: germline.

Eurofins Ntd Llc (ga)
Classification: Uncertain significance. Last evaluated: 2015-11-30. Review status: criteria provided, single submitter. Criteria: EGL Classification Definitions 2015. Collection method: clinical testing. Allele origin: germline. Observed: 1 variant allele, 1 heterozygote.

NM_201384.3(PLEC):c.7082C>T (p.Thr2361Met)

Gene: PLEC (plectin; minus strand). Cytogenetic location: 8q24.3.
Variant type: single nucleotide variant.
Coding change: c.7082C>T on transcript NM_201384.3 (MANE Select); coding-DNA position 7082, C replaced by T.
Protein change: p.Thr2361Met; replaces threonine 2361 with methionine.
Molecular consequence: missense variant.
Genome position (GRCh38, 1-based): chr8:143,922,847, G>A on the plus strand (C>T on the coding strand, the complement: PLEC is on the minus strand). VCF-style: chr8-143922847-G-A. GRCh37 (hg19) VCF-style: chr8-144997015-G-A.
Other names: c.7163C>T, p.Thr2388Met (NM_000445.5); c.7040C>T, p.Thr2347Met (NM_201378.4); c.7016C>T, p.Thr2339Met (NM_201379.3); c.7493C>T, p.Thr2498Met (NM_201380.4); c.6986C>T, p.Thr2329Met (NM_201381.3); c.7082C>T, p.Thr2361Met (NM_201382.4); c.7094C>T, p.Thr2365Met (NM_201383.3); c.7163C>T (NM_000445.3); short protein forms T2365M, T2329M, T2339M, T2361M, T2498M, T2347M, T2388M.
Identifiers: ClinVar variation 283244 (VCV000283244.43), dbSNP rs369522291, ClinGen allele CA4925765.
Genomic context (GRCh38, chr8:143,922,847, plus strand): 5'-TCAGCGCTCATCTCCAGCTGCCGCTGCCGCTCGGCCTCCAGCGTCCGCTGGAAGCCCTGC[G>A]TCTCCTCCGCCAGCTGCTGCGCCATCTGCTCCTTGTCCTCCTGCAGCCGCCGCGCCTGCT-3'
Protein context (NP_958786.1, residues 2351-2371): EQMAQQLAEE[Thr2361Met]QGFQRTLEAE